The following is an entry in ClinVar:

ClinVar aggregate classification (germline): Uncertain significance (1 of 4 stars; one submission).

Submission:

Labcorp Genetics (formerly Invitae), Labcorp
Classification: Uncertain significance. Last evaluated: 2022-03-13. Review status: criteria provided, single submitter. Criteria: Invitae Variant Classification Sherloc (09022015). Collection method: clinical testing. Allele origin: germline.
Comment: In summary, the available evidence is currently insufficient to determine the role of this variant in disease. Therefore, it has been classified as a Variant of Uncertain Significance. Algorithms developed to predict the effect of missense changes on protein structure and function are either unavailable or do not agree on the potential impact of this missense change (SIFT: "Not Available"; PolyPhen-2: "Benign"; Align-GVGD: "Not Available"). This variant has not been reported in the literature in individuals affected with UNC80-related conditions. This variant is not present in population databases (gnomAD no frequency). This sequence change replaces aspartic acid, which is acidic and polar, with glutamic acid, which is acidic and polar, at codon 2952 of the UNC80 protein (p.Asp2952Glu).

NM_001371986.1(UNC80):c.9054C>G (p.Asp3018Glu)

Gene: UNC80 (unc-80 subunit of NALCN channel complex; plus strand). Cytogenetic location: 2q34.
Variant type: single nucleotide variant.
Coding change: c.9054C>G on transcript NM_001371986.1 (MANE Select); coding-DNA position 9054, C replaced by G.
Protein change: p.Asp3018Glu; replaces aspartic acid 3018 with glutamic acid.
Molecular consequence: missense variant.
Genome position (GRCh38, 1-based): chr2:209,978,644, C>G. VCF-style: chr2-209978644-C-G. GRCh37 (hg19) VCF-style: chr2-210843368-C-G.
Other names: c.8856C>G, p.Asp2952Glu (NM_032504.2); c.8841C>G, p.Asp2947Glu (NM_182587.4); short protein forms D2947E, D3018E, D2952E.
Identifiers: ClinVar variation 2111351 (VCV002111351.4), dbSNP rs1027383688, ClinGen allele CA350414620.